The following is an entry in ClinVar:

ClinVar aggregate classification (germline): Uncertain significance. Review status: criteria provided, multiple submitters, no conflicts (2 of 4 stars). 2 submissions from 2 submitters: Uncertain significance (2). Last evaluated 2025-07-31.

Conditions:
Hereditary cancer-predisposing syndrome. Also called: Neoplastic Syndromes, Hereditary; Tumor predisposition; Hereditary Cancer Syndrome; Hereditary neoplastic syndrome. Identifiers: Orphanet 140162, MedGen C0027672, MeSH D009386, MONDO:0015356.

Allele frequency attached by ClinVar (database versions not stated): gnomAD exomes below 0.00001.
gnomAD v4.1: 2 of 1,609,914 alleles (0.00012%); highest among the groups gnomAD compares: Non-Finnish European, 0.00017%; no homozygotes.

Submissions (2):

Labcorp Genetics (formerly Invitae), Labcorp
Classification: Uncertain significance for Hereditary cancer-predisposing syndrome. Last evaluated: 2025-07-31. Review status: criteria provided, single submitter. Criteria: Invitae Variant Classification Sherloc (09022015). Collection method: clinical testing. Allele origin: germline.
Comment: This sequence change replaces leucine, which is neutral and non-polar, with phenylalanine, which is neutral and non-polar, at codon 901 of the RAD50 protein (p.Leu901Phe). This variant is present in population databases (no rsID available, gnomAD 0.0009%). This variant has not been reported in the literature in individuals affected with RAD50-related conditions. ClinVar contains an entry for this variant (Variation ID: 482132). Invitae Evidence Modeling of protein sequence and biophysical properties (such as structural, functional, and spatial information, amino acid conservation, physicochemical variation, residue mobility, and thermodynamic stability) indicates that this missense variant is not expected to disrupt RAD50 protein function with a negative predictive value of 80%. In summary, the available evidence is currently insufficient to determine the role of this variant in disease. Therefore, it has been classified as a Variant of Uncertain Significance.

Ambry Genetics
Classification: Uncertain significance for Hereditary cancer-predisposing syndrome. Last evaluated: 2023-12-29. Review status: criteria provided, single submitter. Criteria: Ambry Variant Classification Scheme 2023. Collection method: clinical testing. Allele origin: germline.
Comment: The p.L901F variant (also known as c.2703G>C), located in coding exon 16 of the RAD50 gene, results from a G to C substitution at nucleotide position 2703. The leucine at codon 901 is replaced by phenylalanine, an amino acid with highly similar properties. This amino acid position is highly conserved in available vertebrate species. In addition, this alteration is predicted to be tolerated by in silico analysis. Since supporting evidence is limited at this time, the clinical significance of this alteration remains unclear.

NM_005732.4(RAD50):c.2703G>C (p.Leu901Phe)

Gene: RAD50 (RAD50 double strand break repair protein; plus strand). Cytogenetic location: 5q31.1.
Variant type: single nucleotide variant.
Coding change: c.2703G>C on transcript NM_005732.4 (MANE Select); coding-DNA position 2703, G replaced by C.
Protein change: p.Leu901Phe; replaces leucine 901 with phenylalanine.
Molecular consequence: missense variant.
Genome position (GRCh38, 1-based): chr5:132,604,984, G>C. VCF-style: chr5-132604984-G-C. GRCh37 (hg19) VCF-style: chr5-131940676-G-C.
Other names: short protein forms L901F.
Identifiers: ClinVar variation 482132 (VCV000482132.10), dbSNP rs1438147862, ClinGen allele CA360956956.